The following is an entry in ClinVar:

NM_001103.4(ACTN2):c.2368-1G>C

Gene: ACTN2 (actinin alpha 2; plus strand). Cytogenetic location: 1q43.
Variant type: single nucleotide variant.
Coding change: c.2368-1G>C on transcript NM_001103.4 (MANE Select); the canonical splice acceptor site of the intron before coding-DNA position 2368, G replaced by C.
Molecular consequence: splice acceptor variant.
Genome position (GRCh38, 1-based): chr1:236,761,014, G>C. VCF-style: chr1-236761014-G-C. GRCh37 (hg19) VCF-style: chr1-236924314-G-C.
Other names: c.2368-1G>C (NM_001278343.2).
Identifiers: ClinVar variation 1790240 (VCV001790240.2), dbSNP rs2527664756, ClinGen allele CA345390564.

ClinVar aggregate classification (germline): Uncertain significance (1 of 4 stars; one submission).

Conditions:
Cardiovascular phenotype. Identifiers: MedGen CN230736.

Allele frequency attached by ClinVar (database versions not stated): gnomAD exomes below 0.00001.
gnomAD v4.1: 2 of 1,614,204 alleles (0.00012%); highest among the groups gnomAD compares: Non-Finnish European, 0.00017%; no homozygotes.

Submission:

Ambry Genetics
Classification: Uncertain significance for Cardiovascular phenotype. Last evaluated: 2020-12-17. Review status: criteria provided, single submitter. Criteria: Ambry Variant Classification Scheme 2023. Collection method: clinical testing. Allele origin: germline.
Comment: The c.2368-1G>C intronic variant results from a G to C substitution one nucleotide upstream from coding exon 20 of the ACTN2 gene. Alterations that disrupt the canonical splice site are expected to cause aberrant splicing, resulting in an abnormal protein or a transcript that is subject to nonsense-mediated mRNA decay. This nucleotide position is highly conserved in available vertebrate species. In silico splice site analysis predicts that this alteration will weaken the native splice acceptor site and will result in the creation or strengthening of a novel splice acceptor site. However, loss of function of ACTN2 has not been clearly established as a mechanism of disease. Since supporting evidence is limited at this time, the clinical significance of this alteration remains unclear.